The following is an entry in ClinVar:

ClinVar aggregate classification (germline): Conflicting classifications of pathogenicity. Review status: criteria provided, conflicting classifications (1 of 4 stars). 8 submissions from 8 submitters: Uncertain significance (7); Likely benign (1). Last evaluated 2025-06-23.

Conditions:
Renal carnitine transport defect (CDSP). Also called: CARNITINE DEFICIENCY, SYSTEMIC, DUE TO DEFECT IN RENAL REABSORPTION OF CARNITINE; Systemic primary carnitine deficiency; Systemic primary carnitine deficiency disease; Primary carnitine deficiency; Carnitine transporter deficiency; Carnitine Deficiency, Systemic. Identifiers: Orphanet 158, MedGen C0342788, MONDO:0008919, OMIM 212140.

Allele frequency attached by ClinVar (database versions not stated): TOPMed 0.00002; ExAC 0.00003; gnomAD 0.00003 and 0.00004; gnomAD exomes 0.00004 and 0.00007.
gnomAD v4.1: 108 of 1,614,188 alleles (0.0067%); highest among the groups gnomAD compares: Middle Eastern, 0.033%; no homozygotes.

Submissions (8):

GeneDx
Classification: Uncertain significance. Last evaluated: 2025-06-23. Review status: criteria provided, single submitter. Criteria: GeneDx Variant Classification Process June 2021. Collection method: clinical testing. Allele origin: germline. Affected: yes.
Comment: In silico analysis suggests that this missense variant does not alter protein structure/function; This variant is associated with the following publications: (PMID: 26828774, 27320645, 20208395, 21864509, 27956261, 34426522, 28841266, 29659532, Sun2024[preprint], 38166572)

Blueprint Genetics
Classification: Uncertain significance. Last evaluated: 2024-06-06. Review status: criteria provided, single submitter. Criteria: ACMG Guidelines, 2015. Collection method: clinical testing. Allele origin: germline.

Fulgent Genetics
Classification: Uncertain significance for Renal carnitine transport defect. Last evaluated: 2024-04-09. Review status: criteria provided, single submitter. Criteria: ACMG Guidelines, 2015. Collection method: clinical testing. Allele origin: germline.

Institute of Immunology and Genetics Kaiserslautern
Classification: Uncertain significance for Renal carnitine transport defect. Last evaluated: 2024-02-02. Review status: criteria provided, single submitter. Criteria: ACMG Guidelines, 2015. Collection method: clinical testing. Allele origin: germline. Affected: yes.
Comment: ACMG Criteria: PM2; Variant was found in heterozygous state

Labcorp Genetics (formerly Invitae), Labcorp
Classification: Uncertain significance for Renal carnitine transport defect. Last evaluated: 2022-04-26. Review status: criteria provided, single submitter. Criteria: Invitae Variant Classification Sherloc (09022015). Collection method: clinical testing. Allele origin: germline.
Comment: This sequence change replaces valine, which is neutral and non-polar, with methionine, which is neutral and non-polar, at codon 175 of the SLC22A5 protein (p.Val175Met). This variant is present in population databases (rs781721860, gnomAD 0.04%). This missense change has been observed in individual(s) with primary carnitine deficiency (PMID: 26828774, 28841266). ClinVar contains an entry for this variant (Variation ID: 285602). Advanced modeling of protein sequence and biophysical properties (such as structural, functional, and spatial information, amino acid conservation, physicochemical variation, residue mobility, and thermodynamic stability) performed at Invitae indicates that this missense variant is not expected to disrupt SLC22A5 protein function. Experimental studies are conflicting or provide insufficient evidence to determine the effect of this variant on SLC22A5 function (PMID: 21864509, 28841266). In summary, the available evidence is currently insufficient to determine the role of this variant in disease. Therefore, it has been classified as a Variant of Uncertain Significance.

Genome-Nilou Lab
Classification: Uncertain significance for Renal carnitine transport defect. Last evaluated: 2021-07-15. Review status: criteria provided, single submitter. Criteria: ACMG Guidelines, 2015. Collection method: clinical testing. Allele origin: germline. Affected: no.

ARUP Laboratories, Molecular Genetics and Genomics, ARUP Laboratories
Classification: Likely benign. Last evaluated: 2017-01-26. Review status: criteria provided, single submitter. Criteria: ARUP Molecular Germline Variant Investigation Process. Collection method: clinical testing. Allele origin: germline.

Eurofins Ntd Llc (ga)
Classification: Uncertain significance. Last evaluated: 2016-01-04. Review status: criteria provided, single submitter. Criteria: EGL Classification Definitions 2015. Collection method: clinical testing. Allele origin: germline. Observed: 1 variant allele, 1 heterozygote.

Literature cited by the submitters: PubMed 26828774 (cited by Labcorp Genetics (formerly Invitae), Labcorp); PubMed 28841266 (cited by Labcorp Genetics (formerly Invitae), Labcorp); PubMed 21864509 (cited by Labcorp Genetics (formerly Invitae), Labcorp).

NM_003060.4(SLC22A5):c.523G>A (p.Val175Met)

Gene: SLC22A5 (solute carrier family 22 member 5; plus strand). Cytogenetic location: 5q31.1.
Variant type: single nucleotide variant.
Coding change: c.523G>A on transcript NM_003060.4 (MANE Select); coding-DNA position 523, G replaced by A.
Protein change: p.Val175Met; replaces valine 175 with methionine.
Molecular consequence: missense variant.
Genome position (GRCh38, 1-based): chr5:132,384,172, G>A. VCF-style: chr5-132384172-G-A. GRCh37 (hg19) VCF-style: chr5-131719864-G-A.
Other names: c.595G>A, p.Val199Met (NM_001308122.2); short protein forms V175M, V199M.
Identifiers: ClinVar variation 285602 (VCV000285602.24), dbSNP rs781721860, ClinGen allele CA3403917.